The following is an entry in ClinVar:

ClinVar aggregate classification (germline): Uncertain significance (1 of 4 stars; one submission).

Conditions:
Kabuki syndrome. Also called: NIIKAWA-KUROKI SYNDROME; Kabuki make-up syndrome. Identifiers: Orphanet 2322, MedGen C0796004, MONDO:0016512.

Submission:

Labcorp Genetics (formerly Invitae), Labcorp
Classification: Uncertain significance for Kabuki syndrome. Last evaluated: 2021-10-07. Review status: criteria provided, single submitter. Criteria: Invitae Variant Classification Sherloc (09022015). Collection method: clinical testing. Allele origin: germline.
Comment: This sequence change replaces glutamic acid with aspartic acid at codon 454 of the KMT2D protein (p.Glu454Asp). The glutamic acid residue is weakly conserved and there is a small physicochemical difference between glutamic acid and aspartic acid. This variant is not present in population databases (ExAC no frequency). This variant has not been reported in the literature in individuals affected with KMT2D-related conditions. Advanced modeling of protein sequence and biophysical properties (such as structural, functional, and spatial information, amino acid conservation, physicochemical variation, residue mobility, and thermodynamic stability) performed at Invitae indicates that this missense variant is not expected to disrupt KMT2D protein function. In summary, the available evidence is currently insufficient to determine the role of this variant in disease. Therefore, it has been classified as a Variant of Uncertain Significance.

NM_003482.4(KMT2D):c.1362G>T (p.Glu454Asp)

Gene: KMT2D (lysine methyltransferase 2D; minus strand). Cytogenetic location: 12q13.12.
Variant type: single nucleotide variant.
Coding change: c.1362G>T on transcript NM_003482.4 (MANE Select); coding-DNA position 1362, G replaced by T.
Protein change: p.Glu454Asp; replaces glutamic acid 454 with aspartic acid.
Molecular consequence: missense variant.
Genome position (GRCh38, 1-based): chr12:49,052,321, C>A on the plus strand (G>T on the coding strand, the complement: KMT2D is on the minus strand). VCF-style: chr12-49052321-C-A. GRCh37 (hg19) VCF-style: chr12-49446104-C-A.
Other names: short protein forms E454D.
Identifiers: ClinVar variation 1441410 (VCV001441410.6), dbSNP rs1343870526, ClinGen allele CA384675158.